The following is an entry in ClinVar:

NM_007294.4(BRCA1):c.409C>T (p.Leu137Phe)

Gene: BRCA1 (BRCA1 DNA repair associated; minus strand). Cytogenetic location: 17q21.31.
Variant type: single nucleotide variant.
Coding change: c.409C>T on transcript NM_007294.4 (MANE Select); coding-DNA position 409, C replaced by T.
Protein change: p.Leu137Phe; replaces leucine 137 with phenylalanine.
Molecular consequence: missense variant. On other transcripts: non-coding transcript variant (1).
Genome position (GRCh38, 1-based): chr17:43,104,154, G>A on the plus strand (C>T on the coding strand, the complement: BRCA1 is on the minus strand). VCF-style: chr17-43104154-G-A. GRCh37 (hg19) VCF-style: chr17-41256171-G-A.
Other names: c.409C>T, p.Leu137Phe (NM_001407674.1, NM_001407675.1, NM_001407676.1 and 165 more transcripts); c.268C>T, p.Leu90Phe (NM_001407698.1, NM_001407724.1, NM_001407725.1 and 99 more transcripts); c.199C>T, p.Leu67Phe (NM_001407571.1, NM_001407853.1, NM_001407879.1 and 58 more transcripts); c.400C>T, p.Leu134Phe (NM_001407646.1, NM_001407647.1, NM_001408408.1); c.331C>T, p.Leu111Phe (NM_001407653.1, NM_001407654.1, NM_001407655.1 and 21 more transcripts); c.28C>T, p.Leu10Phe (NM_001407959.1, NM_001407960.1, NM_001407962.1 and 4 more transcripts); c.277C>T, p.Leu93Phe (NM_001408451.1); short protein forms L137F, L90F, L111F, L93F, L10F, L134F, L67F.
Identifiers: ClinVar variation 1054022 (VCV001054022.11), dbSNP rs1350236972, ClinGen allele CA10601324.
Genomic context (GRCh38, chr17:43,104,154, plus strand): 5'-AGAAGAAGAAGAAAACAAATGGTTTTACCAAGGAAGGATTTTCGGGTTCACTCTGTAGAA[G>A]TCTTTTGGCACGGTTTCTGTAGCCCATACTTTGGATGATAGAAACTTCATCTTTTAGATG-3'
Protein context (NP_009225.1, residues 127-147): SMGYRNRAKR[Leu137Phe]LQSEPENPSL

ClinVar aggregate classification (germline): Uncertain significance. Review status: criteria provided, multiple submitters, no conflicts (2 of 4 stars). 2 submissions from 2 submitters: Uncertain significance (2). Last evaluated 2023-08-02.

Conditions:
Hereditary breast ovarian cancer syndrome. Also called: Hereditary breast and/or ovarian cancer syndrome; Hereditary breast and ovarian cancer syndrome; Hereditary breast and ovarian cancer syndrome (HBOC); Breast and ovarian cancer; Hereditary breast and ovarian cancer; BRCA1- and BRCA2-Associated Hereditary Breast and Ovarian Cancer. Identifiers: Orphanet 145, MedGen C0677776, MeSH D061325, MONDO:0003582. Disease mechanism: loss of function.

Allele frequency attached by ClinVar (database versions not stated): gnomAD exomes below 0.00001.
gnomAD v4.1: 1 of 1,613,914 alleles (0.000062%); highest among the groups gnomAD compares: Admixed American, 0.0017%; no homozygotes.

Submissions (2):

Quest Diagnostics Nichols Institute San Juan Capistrano
Classification: Uncertain significance. Last evaluated: 2023-08-02. Review status: criteria provided, single submitter. Criteria: Quest Diagnostics criteria. Collection method: clinical testing. Allele origin: unknown.
Comment: This variant has not been reported in individuals with BRCA1-related conditions in the published literature. The frequency of this variant in the general population, 0.000004 (1/251268 chromosomes (Genome Aggregation Database)), is uninformative in the assessment of its pathogenicity. Analysis of this variant using bioinformatics tools for the prediction of the effect of amino acid changes on protein structure and function yielded predictions that this variant is benign. Based on the available information, we are unable to determine the clinical significance of this variant.

Labcorp Genetics (formerly Invitae), Labcorp
Classification: Uncertain significance for Hereditary breast ovarian cancer syndrome. Last evaluated: 2023-01-22. Review status: criteria provided, single submitter. Criteria: Invitae Variant Classification Sherloc (09022015). Collection method: clinical testing. Allele origin: germline.
Comment: In summary, the available evidence is currently insufficient to determine the role of this variant in disease. Therefore, it has been classified as a Variant of Uncertain Significance. Advanced modeling of protein sequence and biophysical properties (such as structural, functional, and spatial information, amino acid conservation, physicochemical variation, residue mobility, and thermodynamic stability) performed at Invitae indicates that this missense variant is not expected to disrupt BRCA1 protein function. ClinVar contains an entry for this variant (Variation ID: 1054022). This variant has not been reported in the literature in individuals affected with BRCA1-related conditions. This variant is present in population databases (no rsID available, gnomAD 0.003%). This sequence change replaces leucine, which is neutral and non-polar, with phenylalanine, which is neutral and non-polar, at codon 137 of the BRCA1 protein (p.Leu137Phe).